The following is an entry in ClinVar:

NM_033380.3(COL4A5):c.1525G>A (p.Gly509Ser)

Gene: COL4A5 (collagen type IV alpha 5 chain; plus strand). Cytogenetic location: Xq22.3.
Variant type: single nucleotide variant.
Coding change: c.1525G>A on transcript NM_033380.3 (MANE Select); coding-DNA position 1525, G replaced by A.
Protein change: p.Gly509Ser; replaces glycine 509 with serine.
Molecular consequence: missense variant.
Genome position (GRCh38, 1-based): chrX:108,597,006, G>A. VCF-style: chrX-108597006-G-A. GRCh37 (hg19) VCF-style: chrX-107840236-G-A.
Other names: p.(Gly509Ser); c.1525G>A, p.Gly509Ser (NM_000495.5); short protein forms G509S.
Identifiers: ClinVar variation 3336415 (VCV003336415.4).

ClinVar aggregate classification (germline): Pathogenic/Likely pathogenic. Review status: criteria provided, multiple submitters, no conflicts (2 of 4 stars). 3 submissions from 3 submitters: Pathogenic (1); Likely pathogenic (2). Last evaluated 2026-06-15.

Conditions:
X-linked Alport syndrome (ATS1). Also called: COL4A5-Related Nephropathy; NEPHROPATHY AND DEAFNESS, X-LINKED. Identifiers: Orphanet 63, Orphanet 88917, MedGen C4746986, MONDO:0010520, OMIM 301050.

Submissions (3):

Centre de Génétique Humaine, Institut de Pathologie Et de Génétique
Classification: Pathogenic for X-linked Alport syndrome. Last evaluated: 2026-06-15. Review status: criteria provided, single submitter. Criteria: ACMG Guidelines, 2015. Collection method: clinical testing. Allele origin: germline, maternal. Inheritance: X-linked dominant inheritance. Affected: yes. Observed: 11 variant alleles, 8 heterozygotes, 3 hemizygotes. Clinical features observed: Microscopic hematuria (HP:0002907), Moderate albuminuria (HP:0012594), Stage 3 chronic kidney disease (HP:0012625), Sensorineural hearing loss disorder (HP:0000407), Mild albuminuria (HP:0033065), Stage 2 chronic kidney disease (HP:0012624). Segregation with disease observed.
Comment: This missense variant involves a highly conserved glycine located in a ‘Gly-X-Y’ motif in collagenous region, which is characteristic of the pathogenic variants identified in the COL4A5 gene (PM1,PP2). This variant is rare: absent in gnomAD v4.1.0 database (PM2). Two other missense variants affecting the same residue described as LP/P: c.1525G>C, p.Gly509Arg ClinVar and PMID: 32405592 and c.1526G>A, p.Gly509Asp, PMID: 24304881 (PM5). In silico analysis supports that this missense variant has a deleterious effect (PP3). Cosegragation in a family analysed in our lab (PP1)

Women's Health and Genetics/Laboratory Corporation of America, LabCorp
Classification: Likely pathogenic for X-linked Alport syndrome. Last evaluated: 2025-03-03. Review status: criteria provided, single submitter. Criteria: LabCorp Variant Classification Summary - May 2015. Collection method: clinical testing. Allele origin: germline.
Comment: Variant summary: COL4A5 c.1525G>A (p.Gly509Ser) results in a non-conservative amino acid change within the triple-helical region (UniProt) of the encoded protein sequence. This missense variant disrupts a glycine residue at position 1 of a Gly-X-Y repeat in the collagenous domain of the collagen IV alpha 5 chain, however, the impact of this specific amino acid change does not allow definitive categorization (PMID: 33854215). Five of five in-silico tools predict a damaging effect of the variant on protein function. This vairant is absent in 1180072 control chromosomes. c.1525G>A has been reported as hemizygous in the literature in three individuals affected with Alport Syndrome 1, X-Linked Recessive and has been shown to segregate with disease in one family (Gillion_2018). These data indicate that the variant may be associated with disease. To our knowledge, no experimental evidence demonstrating an impact on protein function has been reported. The following publication have been ascertained in the context of this evaluation (PMID: 29854973). No submitters have cited clinical-significance assessments for this variant to ClinVar. Based on the evidence outlined above, the variant was classified as likely pathogenic.

Fulgent Genetics
Classification: Likely pathogenic for X-linked Alport syndrome. Last evaluated: 2024-05-22. Review status: criteria provided, single submitter. Criteria: ACMG Guidelines, 2015. Collection method: clinical testing. Allele origin: germline.

Literature cited by the submitters: PubMed 29854973 (cited by Women's Health and Genetics/Laboratory Corporation of America, LabCorp).